The following is an entry in ClinVar:

ClinVar aggregate classification (germline): Uncertain significance (1 of 4 stars; one submission).

Submission:

Dasa
Classification: Uncertain significance. Last evaluated: 2025-05-14. Review status: criteria provided, single submitter. Criteria: DASA Assertion Criteria. Collection method: clinical testing. Allele origin: germline.
Comment: NM_201599.3(ZMYM3):c.1858T>C (p.Cys620Arg) is a missense variant that results in the substitution of cysteine with arginine. This variant is absent from population databases. The currently available literature and clinical evidence are not sufficient to establish a definitive association between this variant and the reported condition. Therefore, this variant is classified as a variant of uncertain significance.

NM_201599.3(ZMYM3):c.1858T>C (p.Cys620Arg)

Gene: ZMYM3 (zinc finger MYM-type containing 3; minus strand). Cytogenetic location: Xq13.1.
Variant type: single nucleotide variant.
Coding change: c.1858T>C on transcript NM_201599.3 (MANE Select); coding-DNA position 1858, T replaced by C.
Protein change: p.Cys620Arg; replaces cysteine 620 with arginine.
Molecular consequence: missense variant.
Genome position (GRCh38, 1-based): chrX:71,248,279, A>G on the plus strand (T>C on the coding strand, the complement: ZMYM3 is on the minus strand). VCF-style: chrX-71248279-A-G. GRCh37 (hg19) VCF-style: chrX-70468129-A-G.
Other names: c.1858T>C, p.Cys620Arg (NM_001171162.1, NM_005096.3); short protein forms C620R.
Identifiers: ClinVar variation 4885490 (VCV004885490.2).